The following is an entry in ClinVar:

ClinVar aggregate classification (germline): Uncertain significance. Review status: criteria provided, multiple submitters, no conflicts (2 of 4 stars). 2 submissions from 2 submitters: Uncertain significance (2). Last evaluated 2025-07-01.

Conditions:
Emery-Dreifuss muscular dystrophy 4, autosomal dominant (EDMD4). Also called: EMERY-DREIFUSS MUSCULAR DYSTROPHY 4 WITH VARIABLE FEATURES. Identifiers: Orphanet 261, MedGen C2751807, MONDO:0013071, OMIM 612998.
Autosomal recessive ataxia, Beauce type. Also called: SYNE1-Related Autosomal Recessive Cerebellar Ataxia; Spinocerebellar ataxia, autosomal recessive 8; ATAXIA, RECESSIVE, OF BEAUCE; SYNE1 Deficiency. Identifiers: Orphanet 88644, MedGen C1853116, MONDO:0012549, OMIM 610743.
Arthrogryposis multiplex congenita 3, myogenic type. Also called: ARTHROGRYPOSIS MULTIPLEX CONGENITA, MYOGENIC TYPE. Identifiers: MedGen C5193121, MONDO:0032778, OMIM 618484.

Allele frequency attached by ClinVar (database versions not stated): gnomAD exomes below 0.00001 and 0.00001; ExAC 0.00002; gnomAD 0.00005 and 0.00006; TOPMed 0.00005.
gnomAD v4.1: 17 of 1,614,046 alleles (0.0011%); highest among the groups gnomAD compares: African/African-American, 0.019%; no homozygotes.

Submissions (2):

Labcorp Genetics (formerly Invitae), Labcorp
Classification: Uncertain significance for Emery-Dreifuss muscular dystrophy 4, autosomal dominant; Autosomal recessive ataxia, Beauce type. Last evaluated: 2025-07-01. Review status: criteria provided, single submitter. Criteria: Invitae Variant Classification Sherloc (09022015). Collection method: clinical testing. Allele origin: germline.
Comment: This sequence change replaces alanine, which is neutral and non-polar, with glutamic acid, which is acidic and polar, at codon 8380 of the SYNE1 protein (p.Ala8380Glu). This variant is present in population databases (rs775901718, gnomAD 0.02%). This variant has not been reported in the literature in individuals affected with SYNE1-related conditions. ClinVar contains an entry for this variant (Variation ID: 1399911). An algorithm developed to predict the effect of missense changes on protein structure and function (PolyPhen-2) suggests that this variant is likely to be disruptive. In summary, the available evidence is currently insufficient to determine the role of this variant in disease. Therefore, it has been classified as a Variant of Uncertain Significance.

Fulgent Genetics
Classification: Uncertain significance for Autosomal recessive ataxia, Beauce type; Emery-Dreifuss muscular dystrophy 4, autosomal dominant; Arthrogryposis multiplex congenita 3, myogenic type. Last evaluated: 2024-06-07. Review status: criteria provided, single submitter. Criteria: ACMG Guidelines, 2015. Collection method: clinical testing. Allele origin: germline.

NM_182961.4(SYNE1):c.25283C>A (p.Ala8428Glu)

Gene: SYNE1 (spectrin repeat containing nuclear envelope protein 1; minus strand). Cytogenetic location: 6q25.2.
Variant type: single nucleotide variant.
Coding change: c.25283C>A on transcript NM_182961.4 (MANE Select); coding-DNA position 25283, C replaced by A.
Protein change: p.Ala8428Glu; replaces alanine 8428 with glutamic acid.
Molecular consequence: missense variant.
Genome position (GRCh38, 1-based): chr6:152,140,125, G>T on the plus strand (C>A on the coding strand, the complement: SYNE1 is on the minus strand). VCF-style: chr6-152140125-G-T. GRCh37 (hg19) VCF-style: chr6-152461260-G-T.
Other names: c.25139C>A (NM_033071.3); c.1889C>A, p.Ala630Glu (NM_001347701.2); c.1817C>A, p.Ala606Glu (NM_001347702.2); c.25139C>A, p.Ala8380Glu (NM_033071.5); short protein forms A8380E, A8428E, A606E, A630E.
Identifiers: ClinVar variation 1399911 (VCV001399911.5), dbSNP rs775901718, ClinGen allele CA4052868.
Genomic context (GRCh38, chr6:152,140,125, plus strand): 5'-TCTGAGTTAAACTGCTGCCACTTCTGGAGGTTCTGCTTCATCCTCAACTCCTTGCTCAAT[G>T]CCTGGGCCTGGAGAAGCTCCCATCGGTCAATCACACCTGGCAAGACATGCATAGAACAGT-3'
Protein context (NP_892006.3, residues 8418-8438): IDRWELLQAQ[Ala8428Glu]LSKELRMKQN